The following is an entry in ClinVar:

NM_000136.3(FANCC):c.1329+144G>A

Genes: AOPEP (aminopeptidase O (putative); plus strand), FANCC (FA complementation group C; minus strand). Cytogenetic location: 9q22.32.
Variant type: single nucleotide variant.
Coding change: c.1329+144G>A on transcript NM_000136.3 (MANE Select); 144 bases into the intron after coding-DNA position 1329, G replaced by A.
Molecular consequence: intron variant. On other transcripts: synonymous variant (1).
Genome position (GRCh38, 1-based): chr9:95,111,319, C>T on the plus strand (G>A on the coding strand, the complement: FANCC is on the minus strand). VCF-style: chr9-95111319-C-T. GRCh37 (hg19) VCF-style: chr9-97873601-C-T.
Other names: c.1356G>A, p.Arg452= (NM_001243744.2); c.1329+144G>A (NM_001243743.2).
Identifiers: ClinVar variation 3031534 (VCV003031534.2), dbSNP rs769237364, ClinGen allele CA589580845.

ClinVar aggregate classification (germline): Likely benign (0 of 4 stars; one submission).

Conditions:
FANCC-related disorder. Also called: FANCC-related condition.

gnomAD v4.1: 2 of 1,594,712 alleles (0.00013%); highest among the groups gnomAD compares: Admixed American, 0.0017%; no homozygotes.

Submission:

PreventionGenetics, part of Exact Sciences
Classification: Likely benign for FANCC-related condition. Last evaluated: 2020-12-09. Review status: no assertion criteria provided. Collection method: clinical testing. Allele origin: germline.
Comment: This variant is classified as likely benign based on ACMG/AMP sequence variant interpretation guidelines (Richards et al. 2015 PMID: 25741868, with internal and published modifications).